The following is an entry in ClinVar:

NM_005751.5(AKAP9):c.1642A>G (p.Arg548Gly)

Gene: AKAP9 (A-kinase anchoring protein 9; plus strand). Cytogenetic location: 7q21.2.
Variant type: single nucleotide variant.
Coding change: c.1642A>G on transcript NM_005751.5 (MANE Select); coding-DNA position 1642, A replaced by G.
Protein change: p.Arg548Gly; replaces arginine 548 with glycine.
Molecular consequence: missense variant.
Genome position (GRCh38, 1-based): chr7:92,001,559, A>G. VCF-style: chr7-92001559-A-G. GRCh37 (hg19) VCF-style: chr7-91630873-A-G.
Other names: c.1642A>G (NM_005751.4); c.1642A>G, p.Arg548Gly (NM_147185.3); short protein forms R548G.
Identifiers: ClinVar variation 1024182 (VCV001024182.10), dbSNP rs147247719, ClinGen allele CA4336042.

ClinVar aggregate classification (germline): Conflicting classifications of pathogenicity. Review status: criteria provided, conflicting classifications (1 of 4 stars). 2 submissions from 2 submitters: Uncertain significance (1); Benign (1). Last evaluated 2025-12-14.

Conditions:
Long QT syndrome (LQTS). Identifiers: MedGen C0023976, MeSH D008133, MONDO:0002442. Disease mechanism: loss of function. Inheritance: Various modes of inheritance.
Cardiovascular phenotype. Identifiers: MedGen CN230736.

Allele frequency attached by ClinVar (database versions not stated): gnomAD 0.00001 and 0.00005; gnomAD exomes 0.00002 and 0.00012; TOPMed 0.00006; ExAC 0.00014; 1000 Genomes Project 30x 0.00094; 1000 Genomes Project 0.00100.
gnomAD v4.1: 45 of 1,613,932 alleles (0.0028%); highest among the groups gnomAD compares: East Asian, 0.094%; no homozygotes.

Submissions (2):

Labcorp Genetics (formerly Invitae), Labcorp
Classification: Uncertain significance for Long QT syndrome. Last evaluated: 2025-12-14. Review status: criteria provided, single submitter. Criteria: Invitae Variant Classification Sherloc (09022015). Collection method: clinical testing. Allele origin: germline.
Comment: This sequence change replaces arginine, which is basic and polar, with glycine, which is neutral and non-polar, at codon 548 of the AKAP9 protein (p.Arg548Gly). This variant is present in population databases (rs147247719, gnomAD 0.1%), and has an allele count higher than expected for a pathogenic variant. This missense change has been observed in individual(s) with clinical features of AKAP9-related conditions (PMID: 27707468, 32508047). ClinVar contains an entry for this variant (Variation ID: 1024182). An algorithm developed to predict the effect of missense changes on protein structure and function (PolyPhen-2) suggests that this variant is likely to be disruptive. In summary, the available evidence is currently insufficient to determine the role of this variant in disease. Therefore, it has been classified as a Variant of Uncertain Significance.

Ambry Genetics
Classification: Benign for Cardiovascular phenotype. Last evaluated: 2024-12-31. Review status: criteria provided, single submitter. Criteria: Ambry Variant Classification Scheme 2023. Collection method: clinical testing. Allele origin: germline.

Literature cited by the submitters: PubMed 27707468 (cited by Labcorp Genetics (formerly Invitae), Labcorp); PubMed 32508047 (cited by Labcorp Genetics (formerly Invitae), Labcorp).